The following is an entry in ClinVar:

ClinVar aggregate classification (germline): Pathogenic (1 of 4 stars; one submission).

Conditions:
Emery-Dreifuss muscular dystrophy 4, autosomal dominant (EDMD4). Also called: EMERY-DREIFUSS MUSCULAR DYSTROPHY 4 WITH VARIABLE FEATURES. Identifiers: Orphanet 261, MedGen C2751807, MONDO:0013071, OMIM 612998.
Autosomal recessive ataxia, Beauce type. Also called: Spinocerebellar ataxia, autosomal recessive 8; ATAXIA, RECESSIVE, OF BEAUCE; SYNE1-Related Autosomal Recessive Cerebellar Ataxia; SYNE1 Deficiency. Identifiers: Orphanet 88644, MedGen C1853116, MONDO:0012549, OMIM 610743.

Submission:

Labcorp Genetics (formerly Invitae), Labcorp
Classification: Pathogenic for Emery-Dreifuss muscular dystrophy 4, autosomal dominant; Autosomal recessive ataxia, Beauce type. Last evaluated: 2024-02-09. Review status: criteria provided, single submitter. Criteria: Invitae Variant Classification Sherloc (09022015). Collection method: clinical testing. Allele origin: germline.
Comment: This sequence change creates a premature translational stop signal (p.Tyr6661*) in the SYNE1 gene. It is expected to result in an absent or disrupted protein product. Loss-of-function variants in SYNE1 are known to be pathogenic (PMID: 19542096, 24319099, 27086870). This variant is not present in population databases (gnomAD no frequency). This variant has not been reported in the literature in individuals affected with SYNE1-related conditions. For these reasons, this variant has been classified as Pathogenic.

Literature cited by the submitters: PubMed 19542096; PubMed 24319099; PubMed 27086870.

NM_182961.4(SYNE1):c.20196C>G (p.Tyr6732Ter)

Gene: SYNE1 (spectrin repeat containing nuclear envelope protein 1; minus strand). Cytogenetic location: 6q25.2.
Variant type: single nucleotide variant.
Coding change: c.20196C>G on transcript NM_182961.4 (MANE Select); coding-DNA position 20196, C replaced by G.
Protein change: p.Tyr6732Ter; replaces tyrosine 6732 with a stop codon.
Molecular consequence: nonsense.
Genome position (GRCh38, 1-based): chr6:152,236,820, G>C on the plus strand (C>G on the coding strand, the complement: SYNE1 is on the minus strand). VCF-style: chr6-152236820-G-C. GRCh37 (hg19) VCF-style: chr6-152557955-G-C.
Other names: c.19983C>G, p.Tyr6661Ter (NM_033071.5); short protein forms Y6661*, Y6732*.
Identifiers: ClinVar variation 2939672 (VCV002939672.3), dbSNP rs2551698321, ClinGen allele CA366122950.